The following is an entry in ClinVar:

NM_002335.4(LRP5):c.3028-1G>A

Gene: LRP5 (LDL receptor related protein 5; plus strand). Cytogenetic location: 11q13.2.
Variant type: single nucleotide variant.
Coding change: c.3028-1G>A on transcript NM_002335.4 (MANE Select); the canonical splice acceptor site of the intron before coding-DNA position 3028, G replaced by A.
Molecular consequence: splice acceptor variant.
Genome position (GRCh38, 1-based): chr11:68,423,488, G>A. VCF-style: chr11-68423488-G-A. GRCh37 (hg19) VCF-style: chr11-68190956-G-A.
Other names: c.1285-1G>A (NM_001291902.2).
Identifiers: ClinVar variation 2585225 (VCV002585225.1), dbSNP rs2496814765, ClinGen allele CA381620553.

ClinVar aggregate classification (germline): Likely pathogenic (1 of 4 stars; one submission).

Conditions:
Osteoporosis with pseudoglioma (OPPG). Also called: osteoporosis-pseudoglioma syndrome. Identifiers: Orphanet 2788, MedGen C0432252, MONDO:0009820, OMIM 259770.

Submission:

Neuberg Centre For Genomic Medicine, NCGM
Classification: Likely pathogenic for Osteoporosis with pseudoglioma. Review status: criteria provided, single submitter. Criteria: ACMG Guidelines, 2015. Collection method: clinical testing. Allele origin: germline. Inheritance: Autosomal recessive inheritance. Affected: yes.
Comment: The splice site c.3028-1G>A variant in LRP5 gene has not been reported previously as a pathogenic variant nor as a benign variant, to our knowledge. The variant is novel (not in any individuals) in gnomAD Exomes and 1000 Genomes. The nucleotide change in LRP5 is predicted as conserved by GERP++ and PhyloP across 100 vertebrates. Loss of function variants have been previously reported to be disease causing. For these reasons, this variant has been classified as Likely Pathogenic.